The following is an entry in ClinVar:

ClinVar aggregate classification (germline): Likely pathogenic (1 of 4 stars; one submission).
ClinVar aggregate classification (oncogenicity): Oncogenic (1 of 4 stars; one submission).

Conditions:
Rubinstein-Taybi syndrome due to CREBBP mutations (RSTS1). Also called: RUBINSTEIN-TAYBI SYNDROME 1, INCOMPLETE; BROAD THUMB-HALLUX SYNDROME; Rubinstein-Taybi syndrome 1; CREBBP-Related Rubinstein-Taybi Syndrome; BROAD THUMBS AND GREAT TOES, CHARACTERISTIC FACIES, AND IMPAIRED INTELLECTUAL DEVELOPMENT; RUBINSTEIN SYNDROME. Identifiers: Orphanet 353277, Orphanet 783, MedGen C4551859, MONDO:0008393, OMIM 180849.
Neoplasm. Also called: tumor; Neoplasms; Neoplasm (disease). Identifiers: MedGen C0027651, MeSH D009369, MONDO:0005070, HP:0002664.

Submissions (2):

Center for Genomic Medicine, Rigshospitalet, Copenhagen University Hospital
Classification: Oncogenic for Neoplasm. Last evaluated: 2025-03-04. Review status: criteria provided, single submitter. Criteria: ClinGen/CGC/VICC Guidelines for Oncogenicity, 2022. Collection method: clinical testing. Allele origin: somatic. Affected: yes.

Neuberg Centre For Genomic Medicine, NCGM
Classification: Likely pathogenic for Rubinstein-Taybi syndrome due to CREBBP mutations. Last evaluated: 2023-05-20. Review status: criteria provided, single submitter. Criteria: ACMG Guidelines, 2015. Collection method: clinical testing. Allele origin: germline. Inheritance: Autosomal dominant inheritance. Affected: yes.
Comment: The observed missense c.4508A>T(p.Tyr1503Phe) variant in CREBBP gene has been reported previously in heterozygous state in individual(s) affected with Rubinstein–Taybi syndrome (Spena et al., 2015). This variant is absent in gnomAD Exomes. The same position with different substituational variant c.4508A>G (p.Tyr1503Cys) has been reported in ClinVar as Pathogenic. The amino acid Tyr at position 1503 is changed to a Phe changing protein sequence and it might alter its composition and physico-chemical properties. The amino acid change p.Tyr1503Phe in CREBBP is predicted as conserved by GERP++ and PhyloP across 100 vertebrates. Multiple lines of computational evidence (Polyphen - Damaging, SIFT - Damaging and MutationTaster - Disease causing) predict a damaging effect on protein structure and function for this variant. This Tyr1503Phe mutation is involving in both HAT (histone acetyltrasferase) and CoABS (coenzyme A binding site) functional domains (Spena et al., 2015). Same amino acid change as a previously established pathogenic variant regardless of nucleotide change has been observed. For these reasons, this variant has been classified as Likely Pathogenic.

Literature cited by the submitters: PubMed 21390126 (cited by Center for Genomic Medicine, Rigshospitalet, Copenhagen University Hospital).

NM_004380.3(CREBBP):c.4508A>T (p.Tyr1503Phe)

Gene: CREBBP (CREB binding lysine acetyltransferase; minus strand). Cytogenetic location: 16p13.3.
Variant type: single nucleotide variant.
Coding change: c.4508A>T on transcript NM_004380.3 (MANE Select); coding-DNA position 4508, A replaced by T.
Protein change: p.Tyr1503Phe; replaces tyrosine 1503 with phenylalanine.
Molecular consequence: missense variant.
Genome position (GRCh38, 1-based): chr16:3,736,702, T>A on the plus strand (A>T on the coding strand, the complement: CREBBP is on the minus strand). VCF-style: chr16-3736702-T-A. GRCh37 (hg19) VCF-style: chr16-3786703-T-A.
Other names: c.4394A>T, p.Tyr1465Phe (NM_001079846.1); short protein forms Y1503F, Y1465F.
Identifiers: ClinVar variation 3258003 (VCV003258003.3).